The following is an entry in ClinVar:

NM_015662.3(IFT172):c.3598G>A (p.Ala1200Thr)

Genes: IFT172 (intraflagellar transport 172; minus strand), LOC126806173 (BRD4-independent group 4 enhancer GRCh37_chr2:27676057-27677256; plus strand). Cytogenetic location: 2p23.3.
Variant type: single nucleotide variant.
Coding change: c.3598G>A on transcript NM_015662.3 (MANE Select); coding-DNA position 3598, G replaced by A.
Protein change: p.Ala1200Thr; replaces alanine 1200 with threonine.
Molecular consequence: missense variant.
Genome position (GRCh38, 1-based): chr2:27,454,095, C>T on the plus strand (G>A on the coding strand, the complement: IFT172 is on the minus strand). VCF-style: chr2-27454095-C-T. GRCh37 (hg19) VCF-style: chr2-27676962-C-T.
Other names: short protein forms A1200T.
Identifiers: ClinVar variation 857153 (VCV000857153.12), dbSNP rs377521375, ClinGen allele CA1579922.

ClinVar aggregate classification (germline): Uncertain significance. Review status: criteria provided, multiple submitters, no conflicts (2 of 4 stars). 3 submissions from 3 submitters: Uncertain significance (3). Last evaluated 2024-05-10.

Conditions:
Short-rib thoracic dysplasia 10 with or without polydactyly (SRTD10). Identifiers: Orphanet 474, MedGen C3810175, MONDO:0014284, OMIM 615630.
Bardet-Biedl syndrome 20. Identifiers: MedGen C4310707, MONDO:0023670, OMIM 619471, MONDO:0014926.
Retinitis pigmentosa 71 (RP71). Identifiers: Orphanet 791, MedGen C4225342, MONDO:0014618, OMIM 616394.

Allele frequency attached by ClinVar (database versions not stated): TOPMed 0.00001.
gnomAD v4.1: 11 of 1,614,092 alleles (0.00068%); highest among the groups gnomAD compares: Middle Eastern, 0.066%; no homozygotes.

Submissions (3):

Fulgent Genetics
Classification: Uncertain significance for Short-rib thoracic dysplasia 10 with or without polydactyly; Retinitis pigmentosa 71; Bardet-Biedl syndrome 20. Last evaluated: 2024-05-10. Review status: criteria provided, single submitter. Criteria: ACMG Guidelines, 2015. Collection method: clinical testing. Allele origin: germline.

Blueprint Genetics
Classification: Uncertain significance. Last evaluated: 2024-04-29. Review status: criteria provided, single submitter. Criteria: ACMG Guidelines, 2015. Collection method: clinical testing. Allele origin: germline.

Labcorp Genetics (formerly Invitae), Labcorp
Classification: Uncertain significance for Retinitis pigmentosa 71; Short-rib thoracic dysplasia 10 with or without polydactyly. Last evaluated: 2022-07-26. Review status: criteria provided, single submitter. Criteria: Invitae Variant Classification Sherloc (09022015). Collection method: clinical testing. Allele origin: germline.
Comment: In summary, the available evidence is currently insufficient to determine the role of this variant in disease. Therefore, it has been classified as a Variant of Uncertain Significance. Algorithms developed to predict the effect of missense changes on protein structure and function (SIFT, PolyPhen-2, Align-GVGD) all suggest that this variant is likely to be tolerated. ClinVar contains an entry for this variant (Variation ID: 857153). This variant has not been reported in the literature in individuals affected with IFT172-related conditions. This variant is present in population databases (rs377521375, gnomAD 0.006%). This sequence change replaces alanine, which is neutral and non-polar, with threonine, which is neutral and polar, at codon 1200 of the IFT172 protein (p.Ala1200Thr).